The following is an entry in ClinVar:

ClinVar aggregate classification (germline): Uncertain significance (1 of 4 stars; one submission).

Allele frequency attached by ClinVar (database versions not stated): gnomAD exomes below 0.00001.
gnomAD v4.1: 1 of 1,563,190 alleles (0.000064%); highest among the groups gnomAD compares: Non-Finnish European, 0.000087%; no homozygotes.

Submission:

Labcorp Genetics (formerly Invitae), Labcorp
Classification: Uncertain significance. Last evaluated: 2022-05-05. Review status: criteria provided, single submitter. Criteria: Invitae Variant Classification Sherloc (09022015). Collection method: clinical testing. Allele origin: germline.
Comment: In summary, the available evidence is currently insufficient to determine the role of this variant in disease. Therefore, it has been classified as a Variant of Uncertain Significance. Experimental studies and prediction algorithms are not available or were not evaluated, and the functional significance of this variant is currently unknown. This variant has not been reported in the literature in individuals affected with COL18A1-related conditions. This variant is not present in population databases (gnomAD no frequency). This sequence change replaces glycine, which is neutral and non-polar, with valine, which is neutral and non-polar, at codon 396 of the COL18A1 protein (p.Gly396Val).

NM_001379500.1(COL18A1):c.1187G>T (p.Gly396Val)

Gene: COL18A1 (collagen type XVIII alpha 1 chain; plus strand). Cytogenetic location: 21q22.3.
Variant type: single nucleotide variant.
Coding change: c.1187G>T on transcript NM_001379500.1 (MANE Select); coding-DNA position 1187, G replaced by T.
Protein change: p.Gly396Val; replaces glycine 396 with valine.
Molecular consequence: missense variant.
Genome position (GRCh38, 1-based): chr21:45,477,931, G>T. VCF-style: chr21-45477931-G-T. GRCh37 (hg19) VCF-style: chr21-46897845-G-T.
Other names: c.1727G>T, p.Gly576Val (NM_030582.4); c.2432G>T, p.Gly811Val (NM_130444.3); short protein forms G396V, G811V, G576V.
Identifiers: ClinVar variation 2169421 (VCV002169421.4), dbSNP rs1163097245, ClinGen allele CA410515653.